The following is an entry in ClinVar:

ClinVar aggregate classification (germline): Conflicting classifications of pathogenicity. Review status: criteria provided, conflicting classifications (1 of 4 stars). 3 submissions from 3 submitters: Uncertain significance (1); Likely benign (1). 1 of the submissions does not count toward it. Last evaluated 2025-10-29.

Conditions:
Cardiovascular phenotype. Identifiers: MedGen CN230736.
Hypercholesterolemia, autosomal dominant, type B (FHCL2). Also called: APOB-Related Familial Hypercholesterolemia, Autosomal Dominant; Hyperlipoproteinemia Type IIb; Familial Hypercholesterolemia Type B; APOLIPOPROTEIN B-100, FAMILIAL DEFECTIVE; APOLIPOPROTEIN B-100, FAMILIAL LIGAND-DEFECTIVE; Familial hypercholesterolemia 2. Identifiers: MedGen C1704417, MONDO:0007751, OMIM 144010.
Familial hypobetalipoproteinemia 1. Also called: APOB-Related Familial Hypobetalipoproteinemia; Hypobetalipoproteinemia, normotriglyceridemic; Acanthocytosis with hypobetalipoproteinemia. Identifiers: MedGen C4551990, MONDO:0014252, OMIM 615558.

Allele frequency attached by ClinVar (database versions not stated): gnomAD exomes below 0.00001 and 0.00001; TOPMed 0.00002; gnomAD 0.00003 and 0.00004.
gnomAD v4.1: 19 of 1,613,976 alleles (0.0012%); highest among the groups gnomAD compares: Non-Finnish European, 0.0016%; no homozygotes.

Submissions (3):

Labcorp Genetics (formerly Invitae), Labcorp
Classification: Uncertain significance for Familial hypobetalipoproteinemia 1; Hypercholesterolemia, autosomal dominant, type B. Last evaluated: 2025-10-29. Review status: criteria provided, single submitter. Criteria: Invitae Variant Classification Sherloc (09022015). Collection method: clinical testing. Allele origin: germline.
Comment: This sequence change replaces tyrosine, which is neutral and polar, with histidine, which is basic and polar, at codon 2524 of the APOB protein (p.Tyr2524His). This variant is not present in population databases (gnomAD no frequency). This variant has not been reported in the literature in individuals affected with APOB-related conditions. ClinVar contains an entry for this variant (Variation ID: 630652). Invitae Evidence Modeling of protein sequence and biophysical properties (such as structural, functional, and spatial information, amino acid conservation, physicochemical variation, residue mobility, and thermodynamic stability) indicates that this missense variant is not expected to disrupt APOB protein function with a negative predictive value of 95%. In summary, the available evidence is currently insufficient to determine the role of this variant in disease. Therefore, it has been classified as a Variant of Uncertain Significance.

Ambry Genetics
Classification: Likely benign for Cardiovascular phenotype. Last evaluated: 2025-08-05. Review status: criteria provided, single submitter. Criteria: Ambry Variant Classification Scheme 2023. Collection method: clinical testing. Allele origin: germline.

Metabolic Liver Diseases Lab, Fondazione IRCCS Ca Granda Policlinico, University of Milan
Classification: Likely pathogenic for Familial hypobetalipoproteinemia 1. Last evaluated: 2018-12-01. Review status: no assertion criteria provided. Collection method: case-control. Allele origin: germline. Affected: yes. Observed: 1 variant allele. Not counted in ClinVar's aggregate classification.

Literature cited by the submitters: PubMed 30842500 (cited by Metabolic Liver Diseases Lab, Fondazione IRCCS Ca Granda Policlinico, University of Milan).

NM_000384.3(APOB):c.7570T>C (p.Tyr2524His)

Gene: APOB (apolipoprotein B; minus strand). Cytogenetic location: 2p24.1.
Variant type: single nucleotide variant.
Coding change: c.7570T>C on transcript NM_000384.3 (MANE Select); coding-DNA position 7570, T replaced by C.
Protein change: p.Tyr2524His; replaces tyrosine 2524 with histidine.
Molecular consequence: missense variant.
Genome position (GRCh38, 1-based): chr2:21,009,298, A>G on the plus strand (T>C on the coding strand, the complement: APOB is on the minus strand). VCF-style: chr2-21009298-A-G. GRCh37 (hg19) VCF-style: chr2-21232170-A-G.
Other names: short protein forms Y2524H.
Identifiers: ClinVar variation 630652 (VCV000630652.8), dbSNP rs933777198, ClinGen allele CA43502361.